The following is an entry in ClinVar:

NM_001347886.2(DNAH3):c.3084T>G (p.Ile1028Met)

Gene: DNAH3 (dynein axonemal heavy chain 3; minus strand). Cytogenetic location: 16p12.3.
Variant type: single nucleotide variant.
Coding change: c.3084T>G on transcript NM_001347886.2 (MANE Select); coding-DNA position 3084, T replaced by G.
Protein change: p.Ile1028Met; replaces isoleucine 1028 with methionine.
Molecular consequence: missense variant.
Genome position (GRCh38, 1-based): chr16:21,069,574, A>C on the plus strand (T>G on the coding strand, the complement: DNAH3 is on the minus strand). VCF-style: chr16-21069574-A-C. GRCh37 (hg19) VCF-style: chr16-21080895-A-C.
Other names: c.3222T>G, p.Ile1074Met (NM_017539.2); short protein forms I1028M, I1074M.
Identifiers: ClinVar variation 3774986 (VCV003774986.2).

ClinVar aggregate classification (germline): Uncertain significance (1 of 4 stars; one submission).

gnomAD v4.1: 1 of 1,609,070 alleles (0.000062%); highest among the groups gnomAD compares: African/African-American, 0.0013%; no homozygotes.

Submission:

GeneDx
Classification: Uncertain significance. Last evaluated: 2026-06-24. Review status: criteria provided, single submitter. Criteria: GeneDx Variant Classification Process June 2021. Collection method: clinical testing. Allele origin: germline.
Comment: Not observed at significant frequency in large population cohorts (gnomAD); In silico analysis suggests that this missense variant does not alter protein structure/function; Has not been previously published as pathogenic or benign to our knowledge